The following is an entry in ClinVar:

NM_016938.5(EFEMP2):c.167A>G (p.Asn56Ser)

Gene: EFEMP2 (EGF-like fibulin extracellular matrix protein 2; minus strand). Cytogenetic location: 11q13.1.
Variant type: single nucleotide variant.
Coding change: c.167A>G on transcript NM_016938.5 (MANE Select); coding-DNA position 167, A replaced by G.
Protein change: p.Asn56Ser; replaces asparagine 56 with serine.
Molecular consequence: missense variant. On other transcripts: non-coding transcript variant (1).
Genome position (GRCh38, 1-based): chr11:65,871,357, T>C on the plus strand (A>G on the coding strand, the complement: EFEMP2 is on the minus strand). VCF-style: chr11-65871357-T-C. GRCh37 (hg19) VCF-style: chr11-65638828-T-C.
Other names: short protein forms N56S.
Identifiers: ClinVar variation 583249 (VCV000583249.13), dbSNP rs768570882, ClinGen allele CA6110748.

ClinVar aggregate classification (germline): Uncertain significance. Review status: criteria provided, multiple submitters, no conflicts (2 of 4 stars). 5 submissions from 5 submitters: Uncertain significance (5). Last evaluated 2026-06-21.

Conditions:
Cutis laxa, autosomal recessive, type 1B (ARCL1B). Also called: EFEMP2-Related Cutis Laxa; CUTIS LAXA, AUTOSOMAL RECESSIVE, TYPE IB. Identifiers: Orphanet 90349, MedGen C3280798, MONDO:0013754, OMIM 614437. Disease mechanism: loss of function.
Cardiovascular phenotype. Identifiers: MedGen CN230736.

Allele frequency attached by ClinVar (database versions not stated): gnomAD exomes 0.00001; ExAC 0.00002; gnomAD 0.00002; TOPMed 0.00002.
gnomAD v4.1: 26 of 1,614,008 alleles (0.0016%); highest among the groups gnomAD compares: Non-Finnish European, 0.002%; no homozygotes.

Submissions (5):

Ambry Genetics
Classification: Uncertain significance for Cardiovascular phenotype. Last evaluated: 2026-06-21. Review status: criteria provided, single submitter. Criteria: Ambry Variant Classification Scheme 2023. Collection method: clinical testing. Allele origin: germline.
Comment: The p.N56S variant (also known as c.167A>G), located in coding exon 3 of the EFEMP2 gene, results from an A to G substitution at nucleotide position 167. The asparagine at codon 56 is replaced by serine, an amino acid with highly similar properties. This amino acid position is conserved. In addition, the in silico prediction for this alteration is inconclusive. Based on the available evidence, the clinical significance of this variant remains unclear.

ARUP Laboratories, Molecular Genetics and Genomics, ARUP Laboratories
Classification: Uncertain significance for Cutis laxa, autosomal recessive, type 1B. Last evaluated: 2025-04-07. Review status: criteria provided, single submitter. Criteria: ARUP Molecular Germline Variant Investigation Process 2024. Collection method: clinical testing. Allele origin: germline.
Comment: The EFEMP2 c.167A>G; p.Asn56Ser variant (rs768570882), to our knowledge, is not reported in the medical literature but is reported in ClinVar (Variation ID: 583249). This variant is only observed on three alleles in the Genome Aggregation Database (v2.1.1), indicating it is not a common polymorphism. Computational analyses predict that this variant is deleterious (REVEL: 0.711). Due to limited information, the clinical significance of this variant is uncertain at this time.

Victorian Clinical Genetics Services, Murdoch Childrens Research Institute
Classification: Uncertain significance for Cutis laxa, autosomal recessive, type 1B. Last evaluated: 2022-06-24. Review status: criteria provided, single submitter. Criteria: ACMG Guidelines, 2015. Collection method: clinical testing. Allele origin: germline. Inheritance: Autosomal recessive inheritance. Affected: yes.
Comment: Based on the classification scheme VCGS_Germline_v1.3.4, this variant is classified as VUS-3A. Following criteria are met: 0102 - Loss of function is a known mechanism of disease in this gene and is associated with cutis laxa, autosomal recessive, type IB (MIM#614437). (I) 0106 - This gene is associated with autosomal recessive disease. (I) 0200 - Variant is predicted to result in a missense amino acid change from asparagine to serine. (I) 0251 - This variant is heterozygous. (I) 0304 - Variant is present in gnomAD <0.01 for a recessive condition (v3: 3 heterozygotes, 0 homozygotes). (SP) 0309 - An alternative amino acid change at the same position has been observed in gnomAD (v2: 1 heterozygote, 0 homozygotes). (I) 0501 - Missense variant consistently predicted to be damaging by multiple in silico tools or highly conserved with a major amino acid change. (SP) 0600 - Variant is located in the annotated calcium-binding EGF domain (DECIPHER). (I) 0705 - No comparable missense variants have previous evidence for pathogenicity. (I) 0809 - Previous evidence of pathogenicity for this variant is inconclusive. It has been classified as a VUS by a diagnostic laboratory in ClinVar. (I) 0905 - No published segregation evidence has been identified for this variant. (I) 1007 - No published functional evidence has been identified for this variant. (I) Legend: (SP) - Supporting pathogenic, (I) - Information, (SB) - Supporting benign

Labcorp Genetics (formerly Invitae), Labcorp
Classification: Uncertain significance for Cutis laxa, autosomal recessive, type 1B. Last evaluated: 2021-08-31. Review status: criteria provided, single submitter. Criteria: Invitae Variant Classification Sherloc (09022015). Collection method: clinical testing. Allele origin: germline.
Comment: This sequence change replaces asparagine with serine at codon 56 of the EFEMP2 protein (p.Asn56Ser). The asparagine residue is highly conserved and there is a small physicochemical difference between asparagine and serine. This variant is present in population databases (rs768570882, ExAC 0.003%). This variant has not been reported in the literature in individuals affected with EFEMP2-related conditions. Algorithms developed to predict the effect of missense changes on protein structure and function are either unavailable or do not agree on the potential impact of this missense change (SIFT: "Deleterious"; PolyPhen-2: "Possibly Damaging"; Align-GVGD: "Class C0"). In summary, the available evidence is currently insufficient to determine the role of this variant in disease. Therefore, it has been classified as a Variant of Uncertain Significance.

Illumina Laboratory Services, Illumina
Classification: Uncertain significance for Cutis laxa, autosomal recessive, type 1B. Last evaluated: 2018-01-12. Review status: criteria provided, single submitter. Criteria: ICSL Variant Classification Criteria 13 December 2019. Collection method: clinical testing. Allele origin: germline.